The following is an entry in ClinVar:

ClinVar aggregate classification (germline): Uncertain significance (1 of 4 stars; one submission).

Conditions:
Wilson disease (WND). Also called: Wilson's disease. Identifiers: Orphanet 905, MedGen C0019202, MONDO:0010200, OMIM 277900. Disease mechanism: loss of function.

Submission:

All of Us Research Program, National Institutes of Health
Classification: Uncertain significance for Wilson disease. Last evaluated: 2023-08-15. Review status: criteria provided, single submitter. Criteria: ACMG Guidelines, 2015. Collection method: clinical testing. Allele origin: germline. Inheritance: Autosomal recessive inheritance. Observed: 1 variant allele, 1 heterozygote.
Comment: This missense variant replaces isoleucine with valine at codon 647 of the ATP7B protein. Computational prediction is inconclusive regarding the impact of this variant on protein structure and function (internally defined REVEL score threshold 0.5 < inconclusive < 0.7, PMID: 27666373). To our knowledge, functional studies have not been reported for this variant. This variant has not been reported in individuals affected with ATP7B-related disorders in the literature. This variant has not been identified in the general population by the Genome Aggregation Database (gnomAD). The available evidence is insufficient to determine the role of this variant in disease conclusively. Therefore, this variant is classified as a Variant of Uncertain Significance.

This study involves interpretation of variants in research participants for the purpose of population health screening. Participant phenotype was not available at the time of variant classification. Additional details can be found in publication PMID: 35346344, PMCID: PMC8962531

NM_000053.4(ATP7B):c.1939A>G (p.Ile647Val)

Gene: ATP7B (ATPase copper transporting beta; minus strand). Cytogenetic location: 13q14.3.
Variant type: single nucleotide variant.
Coding change: c.1939A>G on transcript NM_000053.4 (MANE Select); coding-DNA position 1939, A replaced by G.
Protein change: p.Ile647Val; replaces isoleucine 647 with valine.
Molecular consequence: missense variant. On other transcripts: intron variant (13).
Genome position (GRCh38, 1-based): chr13:51,961,844, T>C on the plus strand (A>G on the coding strand, the complement: ATP7B is on the minus strand). VCF-style: chr13-51961844-T-C. GRCh37 (hg19) VCF-style: chr13-52535980-T-C.
Other names: c.1606A>G, p.Ile536Val (NM_001243182.2); c.1939A>G, p.Ile647Val (NM_001330578.2, NM_001406511.1, NM_001406512.1 and 16 more transcripts); c.1906A>G, p.Ile636Val (NM_001406524.1, NM_001406514.1); c.1843A>G, p.Ile615Val (NM_001406530.1, NM_001406536.1, NM_001406517.1 and 1 more transcripts); c.1510A>G, p.Ile504Val (NM_001406539.1); c.1869+3028A>G (NM_001406541.1, NM_001406531.1, NM_001406532.1 and 5 more transcripts); c.1773+3028A>G (NM_001406543.1, NM_001406544.1); c.1286-11683A>G (NM_001406548.1); and 1 more; short protein forms I504V, I536V, I615V, I636V, I647V.
Identifiers: ClinVar variation 3072793 (VCV003072793.1), dbSNP rs2547733944, ClinGen allele CA388027338.